The following is an entry in ClinVar:

NM_017780.4(CHD7):c.7609-178C>T

Gene: CHD7 (chromodomain helicase DNA binding protein 7; plus strand). Cytogenetic location: 8q12.2.
Variant type: single nucleotide variant.
Coding change: c.7609-178C>T on transcript NM_017780.4 (MANE Select); 178 bases into the intron before coding-DNA position 7609, C replaced by T.
Molecular consequence: intron variant.
Genome position (GRCh38, 1-based): chr8:60,860,726, C>T. VCF-style: chr8-60860726-C-T. GRCh37 (hg19) VCF-style: chr8-61773285-C-T.
Other names: c.1717-1503C>T (NM_001316690.1).
Identifiers: ClinVar variation 676813 (VCV000676813.1), dbSNP rs10094382, ClinGen allele CA12764109.

ClinVar aggregate classification (germline): Benign (1 of 4 stars; one submission).

Allele frequency attached by ClinVar (database versions not stated): TOPMed 0.44961; gnomAD 0.45245 and 0.46694; 1000 Genomes Project 30x 0.48751; 1000 Genomes Project 0.49720.
gnomAD v4.1: 71,164 of 152,190 alleles (47%); highest among the groups gnomAD compares: East Asian, 73%; 20,001 homozygotes.

Submission:

GeneDx
Classification: Benign. Last evaluated: 2018-06-19. Review status: criteria provided, single submitter. Criteria: GeneDx Variant Classification (06012015). Collection method: clinical testing. Allele origin: germline. Affected: yes.
Comment: This variant is considered likely benign or benign based on one or more of the following criteria: it is a conservative change, it occurs at a poorly conserved position in the protein, it is predicted to be benign by multiple in silico algorithms, and/or has population frequency not consistent with disease.